The following is an entry in ClinVar:

NM_145649.5(GCNT2):c.*939G>T

Gene: GCNT2 (glucosaminyl (N-acetyl) transferase 2 (I blood group); plus strand). Cytogenetic location: 6p24.2.
Variant type: single nucleotide variant.
Coding change: c.*939G>T on transcript NM_145649.5 (MANE Select); 939 bases downstream of the stop codon, G replaced by T.
Molecular consequence: 3 prime UTR variant.
Genome position (GRCh38, 1-based): chr6:10,627,546, G>T. VCF-style: chr6-10627546-G-T. GRCh37 (hg19) VCF-style: chr6-10627779-G-T.
Other names: c.*939G>T (NM_001374747.1, NM_001491.3, NM_145655.4).
Identifiers: ClinVar variation 354722 (VCV000354722.5), dbSNP rs9467011, ClinGen allele CA10625363.

ClinVar aggregate classification (germline): Benign (1 of 4 stars; one submission).

Conditions:
Blood group, I system (Ii). Identifiers: MedGen C0020717, OMIM 110800.

Allele frequency attached by ClinVar (database versions not stated): gnomAD 0.01650 and 0.01772; 1000 Genomes Project 30x 0.01671; 1000 Genomes Project 0.01677; TOPMed 0.01827.

Submission:

Illumina Laboratory Services, Illumina
Classification: Benign for Blood group, I system. Last evaluated: 2018-01-12. Review status: criteria provided, single submitter. Criteria: ICSL Variant Classification Criteria 13 December 2019. Collection method: clinical testing. Allele origin: germline.
Comment: This variant was observed in the ICSL laboratory as part of a predisposition screen in an ostensibly healthy population. It had not been previously curated by ICSL or reported in the Human Gene Mutation Database (HGMD: prior to June 1st, 2018), and was therefore a candidate for classification through an automated scoring system. Utilizing variant allele frequency, disease prevalence and penetrance estimates, and inheritance mode, an automated score was calculated to assess if this variant is too frequent to cause the disease. Based on the score and internal cut-off values, a variant classified as benign is not then subjected to further curation. The score for this variant resulted in a classification of benign for this disease.